The following is an entry in ClinVar:

ClinVar aggregate classification (germline): Uncertain significance. Review status: criteria provided, multiple submitters, no conflicts (2 of 4 stars). 2 submissions from 2 submitters: Uncertain significance (2). Last evaluated 2025-09-28.

Conditions:
Hereditary cancer-predisposing syndrome. Also called: Hereditary Cancer Syndrome; Hereditary neoplastic syndrome; Neoplastic Syndromes, Hereditary; Tumor predisposition. Identifiers: Orphanet 140162, MedGen C0027672, MeSH D009386, MONDO:0015356.
Fanconi anemia (FA). Also called: Fanconi's anemia. Identifiers: Orphanet 84, MedGen C0015625, MeSH D005199, MONDO:0019391.

Allele frequency attached by ClinVar (database versions not stated): gnomAD exomes below 0.00001.
gnomAD v4.1: 1 of 1,613,988 alleles (0.000062%); highest among the groups gnomAD compares: Non-Finnish European, 0.000085%; no homozygotes.

Submissions (2):

Ambry Genetics
Classification: Uncertain significance for Hereditary cancer-predisposing syndrome. Last evaluated: 2025-09-28. Review status: criteria provided, single submitter. Criteria: Ambry Variant Classification Scheme 2023. Collection method: clinical testing. Allele origin: germline.
Comment: The p.A516T variant (also known as c.1546G>A), located in coding exon 14 of the FANCC gene, results from a G to A substitution at nucleotide position 1546. The alanine at codon 516 is replaced by threonine, an amino acid with similar properties. This amino acid position is poorly conserved in available vertebrate species. In addition, this alteration is predicted to be tolerated by in silico analysis. Since supporting evidence is limited at this time, the clinical significance of this alteration remains unclear.

Labcorp Genetics (formerly Invitae), Labcorp
Classification: Uncertain significance for Fanconi anemia. Last evaluated: 2023-10-22. Review status: criteria provided, single submitter. Criteria: Invitae Variant Classification Sherloc (09022015). Collection method: clinical testing. Allele origin: germline.
Comment: This sequence change replaces alanine, which is neutral and non-polar, with threonine, which is neutral and polar, at codon 516 of the FANCC protein (p.Ala516Thr). This variant is not present in population databases (gnomAD no frequency). This variant has not been reported in the literature in individuals affected with FANCC-related conditions. ClinVar contains an entry for this variant (Variation ID: 1774945). Advanced modeling of protein sequence and biophysical properties (such as structural, functional, and spatial information, amino acid conservation, physicochemical variation, residue mobility, and thermodynamic stability) performed at Invitae indicates that this missense variant is not expected to disrupt FANCC protein function. In summary, the available evidence is currently insufficient to determine the role of this variant in disease. Therefore, it has been classified as a Variant of Uncertain Significance.

NM_000136.3(FANCC):c.1546G>A (p.Ala516Thr)

Genes: FANCC (FA complementation group C; minus strand), AOPEP (aminopeptidase O (putative); plus strand). Cytogenetic location: 9q22.32.
Variant type: single nucleotide variant.
Coding change: c.1546G>A on transcript NM_000136.3 (MANE Select); coding-DNA position 1546, G replaced by A.
Protein change: p.Ala516Thr; replaces alanine 516 with threonine.
Molecular consequence: missense variant.
Genome position (GRCh38, 1-based): chr9:95,101,838, C>T on the plus strand (G>A on the coding strand, the complement: FANCC is on the minus strand). VCF-style: chr9-95101838-C-T. GRCh37 (hg19) VCF-style: chr9-97864120-C-T.
Other names: c.1546G>A, p.Ala516Thr (NM_001243743.2); short protein forms A516T.
Identifiers: ClinVar variation 1774945 (VCV001774945.7), dbSNP rs2134383746, ClinGen allele CA374104823.